The following is an entry in ClinVar:

NM_001082486.2(ACD):c.911C>T (p.Ala304Val)

Gene: ACD (ACD shelterin complex subunit and telomerase recruitment factor; minus strand). Cytogenetic location: 16q22.1.
Variant type: single nucleotide variant.
Coding change: c.911C>T on transcript NM_001082486.2 (MANE Select); coding-DNA position 911, C replaced by T.
Protein change: p.Ala304Val; replaces alanine 304 with valine.
Molecular consequence: missense variant.
Genome position (GRCh38, 1-based): chr16:67,658,281, G>A on the plus strand (C>T on the coding strand, the complement: ACD is on the minus strand). VCF-style: chr16-67658281-G-A. GRCh37 (hg19) VCF-style: chr16-67692184-G-A.
Other names: c.1169C>T (NM_001082486.1); c.902C>T, p.Ala301Val (NM_022914.3); short protein forms A301V, A304V.
Identifiers: ClinVar variation 1353804 (VCV001353804.9), dbSNP rs2142968526, ClinGen allele CA396352811.

ClinVar aggregate classification (germline): Uncertain significance. Review status: criteria provided, multiple submitters, no conflicts (2 of 4 stars). 2 submissions from 2 submitters: Uncertain significance (2). Last evaluated 2024-10-25.

Conditions:
Inborn genetic diseases. Identifiers: MedGen C0950123, MeSH D030342.
Dyskeratosis congenita, autosomal dominant 6 (DKCA6). Identifiers: Orphanet 3322, MedGen C4225284, MONDO:0014690, OMIM 616553.

Submissions (2):

Labcorp Genetics (formerly Invitae), Labcorp
Classification: Uncertain significance for Dyskeratosis congenita, autosomal dominant 6. Last evaluated: 2024-10-25. Review status: criteria provided, single submitter. Criteria: Invitae Variant Classification Sherloc (09022015). Collection method: clinical testing. Allele origin: germline.
Comment: This sequence change replaces alanine, which is neutral and non-polar, with valine, which is neutral and non-polar, at codon 390 of the ACD protein (p.Ala390Val). This variant is not present in population databases (gnomAD no frequency). This variant has not been reported in the literature in individuals affected with ACD-related conditions. ClinVar contains an entry for this variant (Variation ID: 1353804). Invitae Evidence Modeling of protein sequence and biophysical properties (such as structural, functional, and spatial information, amino acid conservation, physicochemical variation, residue mobility, and thermodynamic stability) indicates that this missense variant is not expected to disrupt ACD protein function with a negative predictive value of 80%. In summary, the available evidence is currently insufficient to determine the role of this variant in disease. Therefore, it has been classified as a Variant of Uncertain Significance.

Ambry Genetics
Classification: Uncertain significance for Inborn genetic diseases. Last evaluated: 2023-08-03. Review status: criteria provided, single submitter. Criteria: Ambry Variant Classification Scheme 2023. Collection method: clinical testing. Allele origin: germline.
Comment: The p.A390V variant (also known as c.1169C>T), located in coding exon 10 of the ACD gene, results from a C to T substitution at nucleotide position 1169. The alanine at codon 390 is replaced by valine, an amino acid with similar properties. This amino acid position is conserved. In addition, this alteration is predicted to be tolerated by in silico analysis. Since supporting evidence is limited at this time, the clinical significance of this alteration remains unclear.